The following is an entry in ClinVar:

ClinVar aggregate classification (germline): Pathogenic/Likely pathogenic. Review status: criteria provided, multiple submitters, no conflicts (2 of 4 stars). 2 submissions from 2 submitters: Pathogenic (1); Likely pathogenic (1). Last evaluated 2024-08-07.

Conditions:
Hereditary cancer-predisposing syndrome. Also called: Tumor predisposition; Hereditary Cancer Syndrome; Hereditary neoplastic syndrome; Neoplastic Syndromes, Hereditary. Identifiers: Orphanet 140162, MedGen C0027672, MeSH D009386, MONDO:0015356.

Submissions (2):

Ambry Genetics
Classification: Likely pathogenic for Hereditary cancer-predisposing syndrome. Last evaluated: 2024-08-07. Review status: criteria provided, single submitter. Criteria: Ambry Variant Classification Scheme 2023. Collection method: clinical testing. Allele origin: germline.
Comment: The c.6807+1G>C intronic variant results from a G to C substitution one nucleotide after coding exon 45 of the ATM gene. This variant has been reported in the homozygous state in a patient with Ataxia telangiectasia (Amirifar P et al. Pediatr Allergy Immunol, 2021 Aug;32:1316-1326). This nucleotide position is highly conserved in available vertebrate species. In silico splice site analysis predicts that this alteration will weaken the native splice donor site. This variant is considered to be rare based on population cohorts in the Genome Aggregation Database (gnomAD). Alterations that disrupt the canonical splice site are expected to cause aberrant splicing, resulting in an abnormal protein or a transcript that is subject to nonsense-mediated mRNA decay. As such, this alteration is classified as likely pathogenic.

GeneDx
Classification: Pathogenic. Last evaluated: 2022-05-20. Review status: criteria provided, single submitter. Criteria: GeneDx Variant Classification Process June 2021. Collection method: clinical testing. Allele origin: germline. Affected: yes.
Comment: Canonical splice site variant predicted to result in a null allele in a gene for which loss of function is a known mechanism of disease; Not observed at significant frequency in large population cohorts (gnomAD); This variant is associated with the following publications: (PMID: 33547824)

Literature cited by the submitters: PubMed 33547824 (cited by Ambry Genetics).

NM_000051.4(ATM):c.6807+1G>C

Genes: ATM (ATM serine/threonine kinase; plus strand), C11orf65 (chromosome 11 open reading frame 65; minus strand). Cytogenetic location: 11q22.3.
Variant type: single nucleotide variant.
Coding change: c.6807+1G>C on transcript NM_000051.4 (MANE Select); the canonical splice donor site of the intron after coding-DNA position 6807, G replaced by C.
Molecular consequence: splice donor variant. On other transcripts: intron variant (2).
Genome position (GRCh38, 1-based): chr11:108,325,545, G>C. VCF-style: chr11-108325545-G-C. GRCh37 (hg19) VCF-style: chr11-108196272-G-C.
Other names: c.6807+1G>C (NM_001351834.2); c.641-16474C>G (NM_001330368.2); c.*38+9675C>G (NM_001351110.2).
Identifiers: ClinVar variation 1800771 (VCV001800771.2), dbSNP rs2136319435, ClinGen allele CA382555631.